The following is an entry in ClinVar:

NM_001903.5(CTNNA1):c.2654C>A (p.Ala885Glu)

Gene: CTNNA1 (catenin alpha 1; plus strand). Cytogenetic location: 5q31.2.
Variant type: single nucleotide variant.
Coding change: c.2654C>A on transcript NM_001903.5 (MANE Select); coding-DNA position 2654, C replaced by A.
Protein change: p.Ala885Glu; replaces alanine 885 with glutamic acid.
Molecular consequence: missense variant. On other transcripts: 3 prime UTR variant (5).
Genome position (GRCh38, 1-based): chr5:138,934,022, C>A. VCF-style: chr5-138934022-C-A. GRCh37 (hg19) VCF-style: chr5-138269711-C-A.
Other names: c.2654C>A (NM_001903.2); c.*199C>A (NM_001290307.3, NM_001324002.1, NM_001324003.1 and 2 more transcripts); c.2345C>A, p.Ala782Glu (NM_001290309.3); c.2285C>A, p.Ala762Glu (NM_001290310.3); c.1544C>A, p.Ala515Glu (NM_001290312.1, NM_001323987.1, NM_001323988.1 and 12 more transcripts); c.2654C>A, p.Ala885Glu (NM_001323982.2, NM_001323983.1, NM_001323984.2); c.2627C>A, p.Ala876Glu (NM_001323985.2); c.2561C>A, p.Ala854Glu (NM_001323986.2); and 4 more; short protein forms A434E, A484E, A515E, A885E, A402E, A762E, A782E, A470E.
Identifiers: ClinVar variation 4782022 (VCV004782022.2).

ClinVar aggregate classification (germline): Uncertain significance. Review status: criteria provided, multiple submitters, no conflicts (2 of 4 stars). 2 submissions from 2 submitters: Uncertain significance (2). Last evaluated 2026-02-09.

Conditions:
Hereditary cancer-predisposing syndrome. Also called: Neoplastic Syndromes, Hereditary; Hereditary neoplastic syndrome; Tumor predisposition; Hereditary Cancer Syndrome. Identifiers: Orphanet 140162, MedGen C0027672, MeSH D009386, MONDO:0015356.

Submissions (2):

Ambry Genetics
Classification: Uncertain significance for Hereditary cancer-predisposing syndrome. Last evaluated: 2026-02-09. Review status: criteria provided, single submitter. Criteria: Ambry Variant Classification Scheme 2023. Collection method: clinical testing. Allele origin: germline.
Comment: The p.A885E variant (also known as c.2654C>A), located in coding exon 17 of the CTNNA1 gene, results from a C to A substitution at nucleotide position 2654. The alanine at codon 885 is replaced by glutamic acid, an amino acid with dissimilar properties. This amino acid position is not well conserved in available vertebrate species. In addition, this alteration is predicted to be tolerated by in silico analysis. Based on the available evidence, the clinical significance of this variant remains unclear.

Labcorp Genetics (formerly Invitae), Labcorp
Classification: Uncertain significance. Last evaluated: 2025-09-12. Review status: criteria provided, single submitter. Criteria: Invitae Variant Classification Sherloc (09022015). Collection method: clinical testing. Allele origin: germline.
Comment: This sequence change replaces alanine, which is neutral and non-polar, with glutamic acid, which is acidic and polar, at codon 885 of the CTNNA1 protein (p.Ala885Glu). This variant is not present in population databases (gnomAD no frequency). This variant has not been reported in the literature in individuals affected with CTNNA1-related conditions. Invitae Evidence Modeling of protein sequence and biophysical properties (such as structural, functional, and spatial information, amino acid conservation, physicochemical variation, residue mobility, and thermodynamic stability) indicates that this missense variant is not expected to disrupt CTNNA1 protein function with a negative predictive value of 80%. In summary, the available evidence is currently insufficient to determine the role of this variant in disease. Therefore, it has been classified as a Variant of Uncertain Significance.